The following is an entry in ClinVar:

ClinVar aggregate classification (germline): Benign. Review status: criteria provided, single submitter (1 of 4 stars). 2 submissions from 1 submitter: Benign (2). Last evaluated 2018-01-12.

Conditions:
Benign hereditary chorea (BHC). Also called: Benign Hereditary Chorea (BHC); HEREDITARY PROGRESSIVE CHOREA WITHOUT DEMENTIA. Identifiers: Orphanet 1429, MedGen C0393584, MONDO:0021011, OMIM 118700.
Brain-lung-thyroid syndrome. Also called: CHOREOATHETOSIS AND CONGENITAL HYPOTHYROIDISM WITH PULMONARY DYSFUNCTION; Choreoathetosis, Congenital Hypothyroidism, and Neonatal Respiratory Distress Syndrome (Brain-Lung-Thyroid Syndrome); Choreoathetosis, congenital hypothyroidism, and neonatal respiratory distress. Identifiers: Orphanet 209905, MedGen C1970269, MONDO:0012593, OMIM 610978.

Allele frequency attached by ClinVar (database versions not stated): gnomAD below 0.00001 and 0.00001; ExAC 0.00009; gnomAD exomes 0.00013; 1000 Genomes Project 30x 0.00016; 1000 Genomes Project 0.00020.

Submissions (2):

Illumina Laboratory Services, Illumina
Classification: Benign for Brain-lung-thyroid syndrome. Last evaluated: 2018-01-12. Review status: criteria provided, single submitter. Criteria: ICSL Variant Classification Criteria 13 December 2019. Collection method: clinical testing. Allele origin: germline.
Comment: This variant was observed in the ICSL laboratory as part of a predisposition screen in an ostensibly healthy population. It had not been previously curated by ICSL or reported in the Human Gene Mutation Database (HGMD: prior to June 1st, 2018), and was therefore a candidate for classification through an automated scoring system. Utilizing variant allele frequency, disease prevalence and penetrance estimates, and inheritance mode, an automated score was calculated to assess if this variant is too frequent to cause the disease. Based on the score and internal cut-off values, a variant classified as benign is not then subjected to further curation. The score for this variant resulted in a classification of benign for this disease.

Illumina Laboratory Services, Illumina
Classification: Benign for Benign hereditary chorea. Last evaluated: 2018-01-12. Review status: criteria provided, single submitter. Criteria: ICSL Variant Classification Criteria 13 December 2019. Collection method: clinical testing. Allele origin: germline.
Comment: the same text as in the submission from Illumina Laboratory Services, Illumina above.

NM_001079668.3(NKX2-1):c.535G>T (p.Val179Leu)

Genes: NKX2-1 (NK2 homeobox 1; minus strand), SFTA3 (surfactant associated 3; minus strand). Cytogenetic location: 14q13.3.
Variant type: single nucleotide variant.
Coding change: c.535G>T on transcript NM_001079668.3 (MANE Select); coding-DNA position 535, G replaced by T.
Protein change: p.Val179Leu; replaces valine 179 with leucine.
Molecular consequence: missense variant.
Genome position (GRCh38, 1-based): chr14:36,517,949, C>A on the plus strand (G>T on the coding strand, the complement: NKX2-1 is on the minus strand). VCF-style: chr14-36517949-C-A. GRCh37 (hg19) VCF-style: chr14-36987154-C-A.
Other names: c.445G>T, p.Val149Leu (NM_003317.4); short protein forms V179L, V149L.
Identifiers: ClinVar variation 313144 (VCV000313144.5), dbSNP rs575848748, ClinGen allele CA7158482.